The following is an entry in ClinVar:

NM_001029858.4(SLC35F1):c.1143G>A (p.Pro381=)

Gene: SLC35F1 (solute carrier family 35 member F1; plus strand). Cytogenetic location: 6q22.31.
Variant type: single nucleotide variant.
Coding change: c.1143G>A on transcript NM_001029858.4 (MANE Select); coding-DNA position 1143, G replaced by A.
Protein change: p.Pro381=; no amino-acid change (proline 381 retained).
Molecular consequence: synonymous variant.
Genome position (GRCh38, 1-based): chr6:118,314,168, G>A. VCF-style: chr6-118314168-G-A. GRCh37 (hg19) VCF-style: chr6-118635331-G-A.
Other names: c.1143G>A, p.Pro381= (NM_001415931.1).
Identifiers: ClinVar variation 2656881 (VCV002656881.24), dbSNP rs41291934, ClinGen allele CA3977525.

ClinVar aggregate classification (germline): Benign (1 of 4 stars; one submission).

Allele frequency attached by ClinVar (database versions not stated): 1000 Genomes Project 0.00419; 1000 Genomes Project 30x 0.00422; ESP Exome Variant Server 0.00853; ExAC 0.01017.
gnomAD v4.1: 18,104 of 1,614,048 alleles (1.1%); highest among the groups gnomAD compares: South Asian, 1.5%; 143 homozygotes.

Submission:

CeGaT Center for Human Genetics Tuebingen
Classification: Benign. Last evaluated: 2022-11-01. Review status: criteria provided, single submitter. Criteria: CeGaT Center For Human Genetics Tuebingen Variant Classification Criteria Version 2. Collection method: clinical testing. Allele origin: germline. Affected: yes. Observed: 1 variant allele.
Comment: SLC35F1: BP4, BP7, BS1, BS2